The following is an entry in ClinVar:

ClinVar aggregate classification (germline): Uncertain significance (1 of 4 stars; one submission).

Conditions:
Ehlers-Danlos syndrome due to tenascin-X deficiency (EDSCLL1). Also called: EHLERS-DANLOS SYNDROME, CLASSIC-LIKE; Ehlers-Danlos syndrome, classic-like, 1; TNXB-Related Classical-Like Ehlers-Danlos Syndrome; EDS DUE TO TNX DEFICIENCY; TNX DEFICIENCY. Identifiers: Orphanet 230839, MedGen C1848029, MONDO:0011670, OMIM 606408.

Submission:

MGZ Medical Genetics Center
Classification: Uncertain significance for Ehlers-Danlos syndrome due to tenascin-X deficiency. Last evaluated: 2022-08-01. Review status: criteria provided, single submitter. Criteria: ACMG Guidelines, 2015. Collection method: clinical testing. Allele origin: germline. Affected: yes. Observed: 1 variant allele.
Comment: ACMG criteria applied: PM2_SUP

NM_001365276.2(TNXB):c.4220A>G (p.Lys1407Arg)

Gene: TNXB (tenascin XB; minus strand). Cytogenetic location: 6p21.33.
Variant type: single nucleotide variant.
Coding change: c.4220A>G on transcript NM_001365276.2 (MANE Select); coding-DNA position 4220, A replaced by G.
Protein change: p.Lys1407Arg; replaces lysine 1407 with arginine.
Molecular consequence: missense variant.
Genome position (GRCh38, 1-based): chr6:32,079,188, T>C on the plus strand (A>G on the coding strand, the complement: TNXB is on the minus strand). VCF-style: chr6-32079188-T-C. GRCh37 (hg19) VCF-style: chr6-32046965-T-C.
Other names: c.4220A>G, p.Lys1407Arg (NM_019105.8); short protein forms K1407R.
Identifiers: ClinVar variation 1709405 (VCV001709405.2), dbSNP rs2483654259, ClinGen allele CA363428566.